The following is an entry in ClinVar:

ClinVar aggregate classification (germline): Uncertain significance (1 of 4 stars; one submission).

Conditions:
Bethlem myopathy 1A. Also called: MYOPATHY, BENIGN CONGENITAL, WITH CONTRACTURES; Bethlem myopathy 1; Bethlem Muscular Dystrophy. Identifiers: Orphanet 610, MedGen CN029274, MONDO:0024530, OMIM 158810.

Submission:

Labcorp Genetics (formerly Invitae), Labcorp
Classification: Uncertain significance for Bethlem myopathy 1A. Last evaluated: 2025-02-03. Review status: criteria provided, single submitter. Criteria: Invitae Variant Classification Sherloc (09022015). Collection method: clinical testing. Allele origin: germline.
Comment: This sequence change replaces glycine, which is neutral and non-polar, with valine, which is neutral and non-polar, at codon 256 of the COL6A2 protein (p.Gly256Val). This variant is not present in population databases (gnomAD no frequency). This variant has not been reported in the literature in individuals affected with COL6A2-related conditions. Invitae Evidence Modeling of protein sequence and biophysical properties (such as structural, functional, and spatial information, amino acid conservation, physicochemical variation, residue mobility, and thermodynamic stability) indicates that this missense variant is expected to disrupt COL6A2 protein function with a positive predictive value of 80%. In summary, the available evidence is currently insufficient to determine the role of this variant in disease. Therefore, it has been classified as a Variant of Uncertain Significance.

NM_001849.4(COL6A2):c.767G>T (p.Gly256Val)

Gene: COL6A2 (collagen type VI alpha 2 chain; plus strand). Cytogenetic location: 21q22.3.
Variant type: single nucleotide variant.
Coding change: c.767G>T on transcript NM_001849.4 (MANE Select); coding-DNA position 767, G replaced by T.
Protein change: p.Gly256Val; replaces glycine 256 with valine.
Molecular consequence: missense variant.
Genome position (GRCh38, 1-based): chr21:46,114,039, G>T. VCF-style: chr21-46114039-G-T. GRCh37 (hg19) VCF-style: chr21-47533953-G-T.
Other names: c.767G>T, p.Gly256Val (NM_058174.3, NM_058175.3); short protein forms G256V.
Identifiers: ClinVar variation 3666170 (VCV003666170.2).